The following is an entry in ClinVar:

NM_001134407.3(GRIN2A):c.454C>T (p.Gln152Ter)

Gene: GRIN2A (glutamate ionotropic receptor NMDA type subunit 2A; minus strand). Cytogenetic location: 16p13.2.
Variant type: single nucleotide variant.
Coding change: c.454C>T on transcript NM_001134407.3 (MANE Select); coding-DNA position 454, C replaced by T.
Protein change: p.Gln152Ter; replaces glutamine 152 with a stop codon.
Molecular consequence: nonsense.
Genome position (GRCh38, 1-based): chr16:9,938,512, G>A on the plus strand (C>T on the coding strand, the complement: GRIN2A is on the minus strand). VCF-style: chr16-9938512-G-A. GRCh37 (hg19) VCF-style: chr16-10032369-G-A.
Other names: c.454C>T, p.Gln152Ter (NM_000833.5, NM_001134408.2); short protein forms Q152*.
Identifiers: ClinVar variation 4850033 (VCV004850033.1).

ClinVar aggregate classification (germline): Likely pathogenic (1 of 4 stars; one submission).

Conditions:
Landau-Kleffner syndrome (FESD). Also called: EPILEPSY, FOCAL, WITH SPEECH DISORDER AND WITH OR WITHOUT MENTAL RETARDATION; APHASIA, ACQUIRED, WITH EPILEPSY. Identifiers: Orphanet 1945, Orphanet 725, Orphanet 98818, MedGen C0282512, MONDO:0009509, OMIM 245570.

Submission:

Variantyx, Inc.
Classification: Likely pathogenic for Landau-Kleffner syndrome. Last evaluated: 2025-05-05. Review status: criteria provided, single submitter. Criteria: Variantyx Assertion Criteria 2022. Collection method: clinical testing. Allele origin: germline. Inheritance: Autosomal dominant inheritance. Affected: yes.
Comment: This is a nonsense variant in the GRIN2A gene (OMIM: 138253). Pathogenic variants in this gene have been associated with autosomal dominant focal epilepsy and speech disorder with or without impaired intellectual development. This variant introduces a premature termination codon in exon 3 out of 13 and is expected to result in loss of function, which is a known disease mechanism for GRIN2A in this disorder (PMID: 23933819, 23933820) (PVS1). This variant is absent from control populations (PM2) and it has not been reported in individuals with GRIN2A-related disorders in the databases available for review. Based on the current evidence, this variant is classified as likely pathogenic for autosomal dominant focal epilepsy and speech disorder with or without impaired intellectual development.

Literature cited by the submitters: PubMed 23933819; PubMed 23933820.